The following is an entry in ClinVar:

ClinVar aggregate classification (germline): Likely benign (1 of 4 stars; one submission).

gnomAD v4.1: 78 of 1,197,774 alleles (0.0065%); highest among the groups gnomAD compares: Middle Eastern, 0.11%; no homozygotes.

Submission:

CeGaT Center for Human Genetics Tuebingen
Classification: Likely benign. Last evaluated: 2022-10-01. Review status: criteria provided, single submitter. Criteria: CeGaT Center For Human Genetics Tuebingen Variant Classification Criteria Version 2. Collection method: clinical testing. Allele origin: germline. Affected: yes. Observed: 2 variant alleles.
Comment: MAP3K15: BP4, BP7

NM_001001671.4(MAP3K15):c.657G>C (p.Pro219=)

Gene: MAP3K15 (mitogen-activated protein kinase kinase kinase 15; minus strand). Cytogenetic location: Xp22.12.
Variant type: single nucleotide variant.
Coding change: c.657G>C on transcript NM_001001671.4 (MANE Select); coding-DNA position 657, G replaced by C.
Protein change: p.Pro219=; no amino-acid change (proline 219 retained).
Molecular consequence: synonymous variant.
Genome position (GRCh38, 1-based): chrX:19,464,275, C>G on the plus strand (G>C on the coding strand, the complement: MAP3K15 is on the minus strand). VCF-style: chrX-19464275-C-G. GRCh37 (hg19) VCF-style: chrX-19482393-C-G.
Identifiers: ClinVar variation 2660132 (VCV002660132.24), dbSNP rs200022856, ClinGen allele CA10364281.